The following is an entry in ClinVar:

NM_001145809.2(MYH14):c.693C>T (p.Pro231=)

Gene: MYH14 (myosin heavy chain 14; plus strand). Cytogenetic location: 19q13.33.
Variant type: single nucleotide variant.
Coding change: c.693C>T on transcript NM_001145809.2 (MANE Select); coding-DNA position 693, C replaced by T.
Protein change: p.Pro231=; no amino-acid change (proline 231 retained).
Molecular consequence: synonymous variant.
Genome position (GRCh38, 1-based): chr19:50,223,349, C>T. VCF-style: chr19-50223349-C-T. GRCh37 (hg19) VCF-style: chr19-50726606-C-T.
Other names: c.693C>T, p.Pro231= (NM_001077186.2, NM_024729.4).
Identifiers: ClinVar variation 505603 (VCV000505603.36), dbSNP rs373744231, ClinGen allele CA9592343.

ClinVar aggregate classification (germline): Conflicting classifications of pathogenicity. Review status: criteria provided, conflicting classifications (1 of 4 stars). 4 submissions from 4 submitters: Uncertain significance (2); Likely benign (2). Last evaluated 2025-03-25.

Allele frequency attached by ClinVar (database versions not stated): ESP Exome Variant Server 0.00008; TOPMed 0.00008; gnomAD exomes 0.00009; ExAC 0.00010.
gnomAD v4.1: 132 of 1,563,996 alleles (0.0084%); highest among the groups gnomAD compares: Middle Eastern, 0.017%; no homozygotes.

Submissions (4):

Women's Health and Genetics/Laboratory Corporation of America, LabCorp
Classification: Likely benign. Last evaluated: 2025-03-25. Review status: criteria provided, single submitter. Criteria: LabCorp Variant Classification Summary - May 2015. Collection method: clinical testing. Allele origin: germline.
Comment: Variant summary: MYH14 c.693C>T (p.Pro231Pro) alters a conserved nucleotide located close to a canonical splice site and therefore could affect mRNA splicing, leading to a significantly altered protein sequence. Consensus agreement among computation tools predict no significant impact on normal splicing. However, these predictions have yet to be confirmed by functional studies. The variant allele was found at a frequency of 9.2e-05 in 172986 control chromosomes (gnomAD). The observed variant frequency is approximately 148 fold of the estimated maximal expected allele frequency for a pathogenic variant in MYH14 causing autosomal dominant nonsyndromic hearing loss 4A phenotype (6.3e-07). To our knowledge, no occurrence of c.693C>T in individuals affected with autosomal dominant nonsyndromic hearing loss 4A and no experimental evidence demonstrating its impact on protein function have been reported. ClinVar contains an entry for this variant (Variation ID: 505603). Based on the evidence outlined above, the variant was classified as likely benign.

CeGaT Center for Human Genetics Tuebingen
Classification: Likely benign. Last evaluated: 2022-11-01. Review status: criteria provided, single submitter. Criteria: CeGaT Center For Human Genetics Tuebingen Variant Classification Criteria Version 2. Collection method: clinical testing. Allele origin: germline. Affected: yes. Observed: 1 variant allele.
Comment: MYH14: BP4, BP7

Labcorp Genetics (formerly Invitae), Labcorp
Classification: Uncertain significance. Last evaluated: 2022-06-27. Review status: criteria provided, single submitter. Criteria: Invitae Variant Classification Sherloc (09022015). Collection method: clinical testing. Allele origin: germline.
Comment: In summary, the available evidence is currently insufficient to determine the role of this variant in disease. Therefore, it has been classified as a Variant of Uncertain Significance. Algorithms developed to predict the effect of sequence changes on RNA splicing suggest that this variant is not likely to affect RNA splicing. ClinVar contains an entry for this variant (Variation ID: 505603). This variant has not been reported in the literature in individuals affected with MYH14-related conditions. This variant is present in population databases (rs373744231, gnomAD 0.02%). This sequence change affects codon 231 of the MYH14 mRNA. It is a 'silent' change, meaning that it does not change the encoded amino acid sequence of the MYH14 protein. It affects a nucleotide within the consensus splice site.

Laboratory for Molecular Medicine, Mass General Brigham Personalized Medicine
Classification: Uncertain significance. Last evaluated: 2017-01-24. Review status: criteria provided, single submitter. Criteria: LMM Criteria. Collection method: clinical testing. Allele origin: germline. Observed: 1 variant allele.
Comment: Variant classified as Uncertain Significance - Favor Benign. The p.Pro231Pro var iant in MYH14 has not been previously reported in individuals with hearing loss, but has been identified in 8/69014 European chromosomes by the Genome Aggregati on Database (gnomAD; dbSNP rs373744231). Altho ugh this variant has been seen in the general population, its frequency is not h igh enough to rule out a pathogenic role. This variant is located in the last ba se of the exon, which is part of the 5? splice region. Computational tools do no t predict altered splicing; however, this information is not predictive enough t o rule out pathogenicity. Nevertheless, this genomic position is not well conser ved in mammals or evolutionarily distant species and >10 mammals have a thymine residue at this position, supporting that this change may be tolerated. In summa ry, while the clinical significance of the p.Pro231Pro variant is uncertain, the se data suggest that it is more likely to be benign.